The following is an entry in ClinVar:

ClinVar aggregate classification (germline): Pathogenic (1 of 4 stars; one submission).

Conditions:
Peutz-Jeghers syndrome (PJS). Also called: POLYPOSIS, HAMARTOMATOUS INTESTINAL; POLYPS-AND-SPOTS SYNDROME; Peutz-Jeghers polyposis; Periorificial lentiginosis syndrome. Identifiers: Orphanet 2869, MedGen C0031269, MeSH D010580, MONDO:0008280, OMIM 175200.

Submission:

Labcorp Genetics (formerly Invitae), Labcorp
Classification: Pathogenic for Peutz-Jeghers syndrome. Last evaluated: 2018-07-23. Review status: criteria provided, single submitter. Criteria: Invitae Variant Classification Sherloc (09022015). Collection method: clinical testing. Allele origin: germline.
Comment: This variant is a gross deletion of the genomic region encompassing exons 1-3 of the STK11 gene, which includes the initiator codon. The 5' end of this event is unknown as it extends beyond the assayed region for this gene and therefore may encompass additional genes. The 3' boundary is likely confined to intron 3 of the STK11 gene. This is expected to result in an absent or disrupted protein product. A similar deletion of exons 1-3 has been reported in several individuals affected withÂ¬â€ Peutz-Jeghers syndromeÂ¬â€ (PMID: 16648371, 20623358). Loss-of-function variants in STK11 are known to be pathogenic (PMID: 15188174, 16287113). For these reasons, this variant has been classified as Pathogenic.

Literature cited by the submitters: PubMed 16648371; PubMed 20623358.

NC_000019.10:g.(?_1206904)_(1219423_?)del

Genes: STK11 (serine/threonine kinase 11; plus strand), LOC110006317 (serine/threonine kinase 11 intron 1 Alu-mediated recombination region; plus strand), LOC121627843 (Sharpr-MPRA regulatory region 9448; plus strand), LOC125371447 (Sharpr-MPRA regulatory region 13808; plus strand), LOC130062896 (ATAC-STARR-seq lymphoblastoid active region 13594; plus strand) and 2 more. Cytogenetic location: 19p13.3.
Variant type: Deletion.
Identifiers: ClinVar variation 643712 (VCV000643712.1).